The following is an entry in ClinVar:

ClinVar aggregate classification (germline): Uncertain significance (1 of 4 stars; one submission).

gnomAD v4.1: 2 of 1,613,110 alleles (0.00012%); highest among the groups gnomAD compares: South Asian, 0.0011%; no homozygotes.

Submission:

Labcorp Genetics (formerly Invitae), Labcorp
Classification: Uncertain significance. Last evaluated: 2023-04-11. Review status: criteria provided, single submitter. Criteria: Invitae Variant Classification Sherloc (09022015). Collection method: clinical testing. Allele origin: germline.
Comment: This sequence change replaces glycine, which is neutral and non-polar, with glutamic acid, which is acidic and polar, at codon 35 of the MYO18B protein (p.Gly35Glu). This variant is not present in population databases (gnomAD no frequency). This variant has not been reported in the literature in individuals affected with MYO18B-related conditions. An algorithm developed to predict the effect of missense changes on protein structure and function (PolyPhen-2) suggests that this variant is likely to be disruptive. Algorithms developed to predict the effect of sequence changes on RNA splicing suggest that this variant may disrupt the consensus splice site. In summary, the available evidence is currently insufficient to determine the role of this variant in disease. Therefore, it has been classified as a Variant of Uncertain Significance.

NM_032608.7(MYO18B):c.104G>A (p.Gly35Glu)

Gene: MYO18B (myosin XVIIIB; plus strand). Cytogenetic location: 22q12.1.
Variant type: single nucleotide variant.
Coding change: c.104G>A on transcript NM_032608.7 (MANE Select); coding-DNA position 104, G replaced by A.
Protein change: p.Gly35Glu; replaces glycine 35 with glutamic acid.
Molecular consequence: missense variant.
Genome position (GRCh38, 1-based): chr22:25,763,295, G>A. VCF-style: chr22-25763295-G-A. GRCh37 (hg19) VCF-style: chr22-26159262-G-A.
Other names: c.104G>A, p.Gly35Glu (NM_001318245.2); short protein forms G35E.
Identifiers: ClinVar variation 2993299 (VCV002993299.3), dbSNP rs1435887379, ClinGen allele CA410999882.